The following is an entry in ClinVar:

NM_022356.4(P3H1):c.2006G>A (p.Arg669His)

Gene: P3H1 (prolyl 3-hydroxylase 1; minus strand). Cytogenetic location: 1p34.2.
Variant type: single nucleotide variant.
Coding change: c.2006G>A on transcript NM_022356.4 (MANE Select); coding-DNA position 2006, G replaced by A.
Protein change: p.Arg669His; replaces arginine 669 with histidine.
Molecular consequence: missense variant.
Genome position (GRCh38, 1-based): chr1:42,747,321, C>T on the plus strand (G>A on the coding strand, the complement: P3H1 is on the minus strand). VCF-style: chr1-42747321-C-T. GRCh37 (hg19) VCF-style: chr1-43212992-C-T.
Other names: c.2006G>A, p.Arg669His (NM_001146289.2, NM_001243246.2); short protein forms R669H.
Identifiers: ClinVar variation 966464 (VCV000966464.9), dbSNP rs578161008, ClinGen allele CA801626.

ClinVar aggregate classification (germline): Uncertain significance. Review status: criteria provided, multiple submitters, no conflicts (2 of 4 stars). 6 submissions from 6 submitters: Uncertain significance (6). Last evaluated 2026-02-24.

Conditions:
Osteogenesis imperfecta type 8 (OI8). Identifiers: MedGen C1970458, MONDO:0012581, OMIM 610915.
Inborn genetic diseases. Identifiers: MedGen C0950123, MeSH D030342.

Allele frequency attached by ClinVar (database versions not stated): gnomAD exomes 0.00002 and 0.00004; ExAC 0.00003; TOPMed 0.00006; 1000 Genomes Project 0.00020; 1000 Genomes Project 30x 0.00031.
gnomAD v4.1: 42 of 1,611,470 alleles (0.0026%); highest among the groups gnomAD compares: Admixed American, 0.017%; no homozygotes.

Submissions (6):

GeneDx
Classification: Uncertain significance. Last evaluated: 2026-02-24. Review status: criteria provided, single submitter. Criteria: GeneDx Variant Classification Process June 2021. Collection method: clinical testing. Allele origin: germline.
Comment: In silico analysis supports that this missense variant has a deleterious effect on protein structure/function; Has not been previously published as pathogenic or benign to our knowledge

Ambry Genetics
Classification: Uncertain significance for Inborn genetic diseases. Last evaluated: 2025-06-16. Review status: criteria provided, single submitter. Criteria: Ambry Variant Classification Scheme 2023. Collection method: clinical testing. Allele origin: germline.

Genome-Nilou Lab
Classification: Uncertain significance for Osteogenesis imperfecta type 8. Last evaluated: 2023-04-11. Review status: criteria provided, single submitter. Criteria: ACMG Guidelines, 2015. Collection method: clinical testing. Allele origin: germline. Affected: no.

Labcorp Genetics (formerly Invitae), Labcorp
Classification: Uncertain significance for Osteogenesis imperfecta type 8. Last evaluated: 2022-07-19. Review status: criteria provided, single submitter. Criteria: Invitae Variant Classification Sherloc (09022015). Collection method: clinical testing. Allele origin: germline.
Comment: This sequence change replaces arginine, which is basic and polar, with histidine, which is basic and polar, at codon 669 of the P3H1 protein (p.Arg669His). This variant is present in population databases (rs578161008, gnomAD 0.02%). This variant has not been reported in the literature in individuals affected with P3H1-related conditions. ClinVar contains an entry for this variant (Variation ID: 966464). Algorithms developed to predict the effect of missense changes on protein structure and function are either unavailable or do not agree on the potential impact of this missense change (SIFT: "Tolerated"; PolyPhen-2: "Probably Damaging"; Align-GVGD: "Class C0"). In summary, the available evidence is currently insufficient to determine the role of this variant in disease. Therefore, it has been classified as a Variant of Uncertain Significance.

Fulgent Genetics
Classification: Uncertain significance for Osteogenesis imperfecta type 8. Last evaluated: 2022-03-17. Review status: criteria provided, single submitter. Criteria: ACMG Guidelines, 2015. Collection method: clinical testing. Allele origin: unknown.

Department of Pathology and Laboratory Medicine, Sinai Health System
Classification: Uncertain significance for Osteogenesis imperfecta type 8. Last evaluated: 2021-07-30. Review status: criteria provided, single submitter. Criteria: ACMG Guidelines, 2015. Collection method: research. Allele origin: germline.